The following is an entry in ClinVar:

NM_004706.4(ARHGEF1):c.2075G>A (p.Arg692Gln)

Gene: ARHGEF1 (Rho guanine nucleotide exchange factor 1; plus strand). Cytogenetic location: 19q13.2.
Variant type: single nucleotide variant.
Coding change: c.2075G>A on transcript NM_004706.4 (MANE Select); coding-DNA position 2075, G replaced by A.
Protein change: p.Arg692Gln; replaces arginine 692 with glutamine.
Molecular consequence: missense variant. On other transcripts: non-coding transcript variant (2).
Genome position (GRCh38, 1-based): chr19:41,904,297, G>A. VCF-style: chr19-41904297-G-A. GRCh37 (hg19) VCF-style: chr19-42408449-G-A.
Other names: c.1976G>A, p.Arg659Gln (NM_198977.2, NM_001396002.1, NM_001396004.1); c.2120G>A, p.Arg707Gln (NM_199002.2); c.2243G>A, p.Arg748Gln (NM_001396000.1); c.2075G>A, p.Arg692Gln (NM_001396003.1, NM_001396006.1); short protein forms R659Q, R707Q, R748Q, R692Q.
Identifiers: ClinVar variation 2828202 (VCV002828202.3), dbSNP rs2074654782, ClinGen allele CA406064660.

ClinVar aggregate classification (germline): Uncertain significance (1 of 4 stars; one submission).

Allele frequency attached by ClinVar (database versions not stated): gnomAD exomes below 0.00001.
gnomAD v4.1: 3 of 1,611,494 alleles (0.00019%); highest among the groups gnomAD compares: Non-Finnish European, 0.00025%; no homozygotes.

Submission:

Labcorp Genetics (formerly Invitae), Labcorp
Classification: Uncertain significance. Last evaluated: 2023-01-13. Review status: criteria provided, single submitter. Criteria: Invitae Variant Classification Sherloc (09022015). Collection method: clinical testing. Allele origin: germline.
Comment: Algorithms developed to predict the effect of missense changes on protein structure and function are either unavailable or do not agree on the potential impact of this missense change (SIFT: "Deleterious"; PolyPhen-2: "Possibly Damaging"; Align-GVGD: "Class C0"). In summary, the available evidence is currently insufficient to determine the role of this variant in disease. Therefore, it has been classified as a Variant of Uncertain Significance. This variant has not been reported in the literature in individuals affected with ARHGEF1-related conditions. This sequence change replaces arginine, which is basic and polar, with glutamine, which is neutral and polar, at codon 707 of the ARHGEF1 protein (p.Arg707Gln). This variant is not present in population databases (gnomAD no frequency).